The following is an entry in ClinVar:

NM_001692.4(ATP6V1B1):c.262G>A (p.Ala88Thr)

Gene: ATP6V1B1 (ATPase H+ transporting V1 subunit B1; plus strand). Cytogenetic location: 2p13.3.
Variant type: single nucleotide variant.
Coding change: c.262G>A on transcript NM_001692.4 (MANE Select); coding-DNA position 262, G replaced by A.
Protein change: p.Ala88Thr; replaces alanine 88 with threonine.
Molecular consequence: missense variant.
Genome position (GRCh38, 1-based): chr2:70,958,133, G>A. VCF-style: chr2-70958133-G-A. GRCh37 (hg19) VCF-style: chr2-71185263-G-A.
Other names: short protein forms A88T.
Identifiers: ClinVar variation 386818 (VCV000386818.2), dbSNP rs1057522611, ClinGen allele CA16604372.
Genomic context (GRCh38, chr2:70,958,133, plus strand): 5'-TTCACCCTCCCAGATGGGACTCAGAGGAGCGGGCAGGTGCTTGAGGTGGCTGGCACCAAG[G>A]CGATTGTTCAGGTGAGTGGGGTCAATGGGACATTGGCTAGTTAAATCAATGAATTAACCC-3'
Protein context (NP_001683.2, residues 78-98): GQVLEVAGTK[Ala88Thr]IVQVFEGTSG

ClinVar aggregate classification (germline): Uncertain significance (1 of 4 stars; one submission).

Allele frequency attached by ClinVar (database versions not stated): gnomAD exomes below 0.00001; TOPMed 0.00001.
gnomAD v4.1: 1 of 1,614,056 alleles (0.000062%); highest among the groups gnomAD compares: East Asian, 0.0022%; no homozygotes.

Submission:

GeneDx
Classification: Uncertain significance. Last evaluated: 2016-06-06. Review status: criteria provided, single submitter. Criteria: GeneDx Variant Classification (06012015). Collection method: clinical testing. Allele origin: germline. Affected: yes.
Comment: The A88T variant in the ATP6V1B1 gene has not been reported previously as a pathogenic variant, nor as a benign variant, to our knowledge. The A88T variant was not observed in approximately 6,500 individuals of European and African American ancestry in the NHLBI Exome Sequencing Project, indicating it is not a common benign variant in these populations. The A88T variant is a non-conservative amino acid substitution, which is likely to impact secondary protein structure as these residues differ in polarity, charge, size and/or other properties. This substitution occurs at a position that is conserved across species. In silico analysis predicts this variant is probably damaging to the protein structure/function. We interpret A88T as a variant of uncertain significance.